The following is an entry in ClinVar:

ClinVar aggregate classification (germline): Pathogenic (1 of 4 stars; one submission).

Conditions:
Autosomal recessive nonsyndromic hearing loss 77. Identifiers: Orphanet 90636, MedGen C2746083, MONDO:0013119, OMIM 613079.

Submission:

Myriad Genetics, Inc.
Classification: Pathogenic for Autosomal recessive nonsyndromic hearing loss 77. Last evaluated: 2024-05-14. Review status: criteria provided, single submitter. Criteria: Myriad Autosomal Dominant, Autosomal Recessive and X-Linked Classification Criteria (2023). Collection method: clinical testing. Allele origin: unknown.
Comment: NM_144612.6(LOXHD1):c.5812_5813ins17(R1938Lfs*29) is expected to be pathogenic in the context of nonsyndromic hearing loss, LOXHD1-related. This variant is predicted to lead to an abnormal or absent protein product due to the creation of a premature termination codon in LOXHD1, a gene where loss-of-function variants are known to be pathogenic. Please note: this variant was assessed in the context of healthy population screening.

NM_001384474.1(LOXHD1):c.5998_5999insTTCTATACACATCTGTG (p.Arg2000fs)

Gene: LOXHD1 (lipoxygenase homology PLAT domains 1; minus strand). Cytogenetic location: 18q21.1.
Variant type: Insertion.
Coding change: c.5998_5999insTTCTATACACATCTGTG on transcript NM_001384474.1 (MANE Select); coding-DNA positions 5998 to 5999, TTCTATACACATCTGTG inserted.
Protein change: p.Arg2000fs; shifts the reading frame from arginine 2000.
Molecular consequence: frameshift variant.
Genome position: GRCh38 VCF-style: chr18-46489022-C-CCACAGATGTGTATAGAA. GRCh37 (hg19) VCF-style: chr18-44068985-C-CCACAGATGTGTATAGAA.
Other names: c.2665_2666insTTCTATACACATCTGTG, p.Arg889fs (NM_001145472.3); c.715_716insTTCTATACACATCTGTG, p.Arg239fs (NM_001145473.3, NM_001173129.2); c.2377_2378insTTCTATACACATCTGTG, p.Arg793fs (NM_001308013.2); c.5812_5813insTTCTATACACATCTGTG, p.Arg1938fs (NM_144612.7); short protein forms R1938fs, R2000fs, R239fs, R793fs, R889fs.
Identifiers: ClinVar variation 5010576 (VCV005010576.1).
Genomic context (GRCh38, chr18:46,489,022, plus strand): 5'-CCCCACATACTGGTCTCTTCCAGCTCATCACAGATCTTGTTGTTGGCACAGGCAAAGTCG[C>CCACAGATGTGTATAGAA]GGACCGTCTGCCCGTCACCCTCACTCTTGGAGAGCCAGCAGTCACACTGGAAGTGGAAGG-3'